The following is an entry in ClinVar:

ClinVar aggregate classification (germline): Uncertain significance (1 of 4 stars; one submission).

Submission:

GeneDx
Classification: Uncertain significance. Last evaluated: 2022-02-15. Review status: criteria provided, single submitter. Criteria: GeneDx Variant Classification Process June 2021. Collection method: clinical testing. Allele origin: germline. Affected: yes.
Comment: Has not been previously published as pathogenic or benign to our knowledge; No data available from control populations to assess the frequency of this variant; Located in a regulatory region that tolerates variation and lacks pathogenic variants

NC_000020.11:g.44355673A>G

Gene: HNF4A (hepatocyte nuclear factor 4 alpha; plus strand). Cytogenetic location: 20q13.12.
Variant type: single nucleotide variant.
Genome position: GRCh38 VCF-style: chr20-44355673-A-G. GRCh37 (hg19) VCF-style: chr20-42984313-A-G.
Identifiers: ClinVar variation 1700822 (VCV001700822.3), dbSNP rs2146127040, ClinGen allele CA2579830527.
Genomic context (GRCh38, chr20:44,355,673, plus strand): 5'-CTAAGTGACTGGTTACTCTTTAACGTATCCACCCACCTTGGGTGATTAGAAGAATCAATA[A>G]GATAACCGGGCGGTGGCAGCTGGCCGCACTCACCGCCTTCCTGGTGGACGGGCTCCTGGT-3'